The following is an entry in ClinVar:

ClinVar aggregate classification (germline): Likely pathogenic (1 of 4 stars; one submission).

Conditions:
NDP-related disorder. Also called: NDP-related condition.

Submission:

PreventionGenetics, part of Exact Sciences
Classification: Likely pathogenic for NDP-related condition. Last evaluated: 2024-12-18. Review status: criteria provided, single submitter. Criteria: ACMG Guidelines, 2015. Collection method: clinical testing. Allele origin: germline.
Comment: The NDP c.236_243del8 variant is predicted to result in a frameshift and premature protein termination (p.Val79Glufs*67). To our knowledge, this variant has not been reported in the literature or in a large population database (gnomAD), indicating this variant is rare. Frameshift variants in NDP are an established mechanism of disease. This variant is interpreted as likely pathogenic.

NM_000266.4(NDP):c.236_243del (p.Val79fs)

Genes: NDP (norrin cystine knot growth factor NDP; minus strand), NDP-AS1 (NDP antisense RNA 1; plus strand). Cytogenetic location: Xp11.3.
Variant type: Deletion.
Coding change: c.236_243del on transcript NM_000266.4 (MANE Select); coding-DNA positions 236 to 243, 8 bases deleted (TGTCGTTC; older notation c.236_243delTGTCGTTC).
Protein change: p.Val79fs; shifts the reading frame from valine 79.
Molecular consequence: frameshift variant. On other transcripts: non-coding transcript variant (1).
Genome position (GRCh38, 1-based): chrX:43,949,958-43,949,965, GAACGACA deleted on the plus strand (TGTCGTTC on the coding strand, the reverse complement: NDP is on the minus strand). VCF-style (leftmost placement, unchanged base first): chrX-43949957-TGAACGACA-T. GRCh37 (hg19) VCF-style: chrX-43809203-TGAACGACA-T.
Other names: short protein forms V79fs.
Identifiers: ClinVar variation 5001869 (VCV005001869.1).